The following is an entry in ClinVar:

NM_005993.5(TBCD):c.2301C>T (p.Pro767=)

Gene: TBCD (tubulin folding cofactor D). Cytogenetic location: 17q25.3.
Variant type: single nucleotide variant.
Coding change: c.2301C>T on transcript NM_005993.5 (MANE Select); coding-DNA position 2301, C replaced by T.
Protein change: p.Pro767=; no amino-acid change (proline 767 retained).
Molecular consequence: synonymous variant.
Genome position (GRCh38, 1-based): chr17:82,924,979, C>T. VCF-style: chr17-82924979-C-T. GRCh37 (hg19) VCF-style: chr17-80882855-C-T.
Identifiers: ClinVar variation 709616 (VCV000709616.32), dbSNP rs376679129, ClinGen allele CA8863017.

ClinVar aggregate classification (germline): Likely benign. Review status: criteria provided, multiple submitters, no conflicts (2 of 4 stars). 3 submissions from 3 submitters: Likely benign (3). Last evaluated 2026-01-18.

Allele frequency attached by ClinVar (database versions not stated): gnomAD exomes 0.00054; ESP Exome Variant Server 0.00056; 1000 Genomes Project 0.00060; gnomAD 0.00073; TOPMed 0.00089; ExAC 0.00102; 1000 Genomes Project 30x 0.00109.
gnomAD v4.1: 1,377 of 1,575,264 alleles (0.087%); highest among the groups gnomAD compares: Non-Finnish European, 0.11%; 2 homozygotes.

Submissions (3):

Labcorp Genetics (formerly Invitae), Labcorp
Classification: Likely benign. Last evaluated: 2026-01-18. Review status: criteria provided, single submitter. Criteria: Invitae Variant Classification Sherloc (09022015). Collection method: clinical testing. Allele origin: germline.

CeGaT Center for Human Genetics Tuebingen
Classification: Likely benign. Last evaluated: 2025-09-01. Review status: criteria provided, single submitter. Criteria: CeGaT Center For Human Genetics Tuebingen Variant Classification Criteria Version 2. Collection method: clinical testing. Allele origin: germline. Affected: yes. Observed: 2 variant alleles.
Comment: TBCD: BP4, BP7

Blueprint Genetics
Classification: Likely benign. Last evaluated: 2024-10-28. Review status: criteria provided, single submitter. Criteria: ACMG Guidelines, 2015. Collection method: clinical testing. Allele origin: germline.